The following is an entry in ClinVar:

ClinVar aggregate classification (germline): Uncertain significance (1 of 4 stars; one submission).

gnomAD v4.1: 2 of 1,395,448 alleles (0.00014%); highest among the groups gnomAD compares: Middle Eastern, 0.018%; no homozygotes.

Submission:

Labcorp Genetics (formerly Invitae), Labcorp
Classification: Uncertain significance. Last evaluated: 2024-06-05. Review status: criteria provided, single submitter. Criteria: Invitae Variant Classification Sherloc (09022015). Collection method: clinical testing. Allele origin: germline.
Comment: This sequence change falls in intron 6 of the ABRAXAS1 gene. It does not directly change the encoded amino acid sequence of the ABRAXAS1 protein. This variant is not present in population databases (gnomAD no frequency). This variant has not been reported in the literature in individuals affected with ABRAXAS1-related conditions. Algorithms developed to predict the effect of sequence changes on RNA splicing suggest that this variant may disrupt the consensus splice site. In summary, the available evidence is currently insufficient to determine the role of this variant in disease. Therefore, it has been classified as a Variant of Uncertain Significance.

NM_139076.3(ABRAXAS1):c.597-11A>G

Gene: ABRAXAS1 (abraxas 1, BRCA1 A complex subunit; minus strand). Cytogenetic location: 4q21.23.
Variant type: single nucleotide variant.
Coding change: c.597-11A>G on transcript NM_139076.3 (MANE Select); 11 bases into the intron before coding-DNA position 597, A replaced by G.
Molecular consequence: intron variant.
Genome position (GRCh38, 1-based): chr4:83,467,549, T>C on the plus strand (A>G on the coding strand, the complement: ABRAXAS1 is on the minus strand). VCF-style: chr4-83467549-T-C. GRCh37 (hg19) VCF-style: chr4-84388702-T-C.
Other names: c.270-11A>G (NM_001345962.2).
Identifiers: ClinVar variation 3711915 (VCV003711915.2).